The following is an entry in ClinVar:

NM_004484.4(GPC3):c.1373T>C (p.Val458Ala)

Gene: GPC3 (glypican 3; minus strand). Cytogenetic location: Xq26.2.
Variant type: single nucleotide variant.
Coding change: c.1373T>C on transcript NM_004484.4 (MANE Select); coding-DNA position 1373, T replaced by C.
Protein change: p.Val458Ala; replaces valine 458 with alanine.
Molecular consequence: missense variant.
Genome position (GRCh38, 1-based): chrX:133,661,770, A>G on the plus strand (T>C on the coding strand, the complement: GPC3 is on the minus strand). VCF-style: chrX-133661770-A-G. GRCh37 (hg19) VCF-style: chrX-132795798-A-G.
Other names: c.1442T>C, p.Val481Ala (NM_001164617.2); c.1325T>C, p.Val442Ala (NM_001164618.2); c.1211T>C, p.Val404Ala (NM_001164619.2); short protein forms V458A, V404A, V442A, V481A.
Identifiers: ClinVar variation 956945 (VCV000956945.10), dbSNP rs1392958281, ClinGen allele CA414704469.

ClinVar aggregate classification (germline): Uncertain significance (1 of 4 stars; one submission).

Conditions:
Wilms tumor 1 (WT1). Also called: Wilms tumor, somatic. Identifiers: Orphanet 654, MedGen CN033288, MONDO:0008679, OMIM 194070.

Allele frequency attached by ClinVar (database versions not stated): gnomAD exomes below 0.00001 and 0.00001.
gnomAD v4.1: 3 of 1,199,302 alleles (0.00025%); highest among the groups gnomAD compares: Non-Finnish European, 0.00034%; no homozygotes.

Submission:

Labcorp Genetics (formerly Invitae), Labcorp
Classification: Uncertain significance for Wilms tumor 1. Last evaluated: 2023-08-10. Review status: criteria provided, single submitter. Criteria: Invitae Variant Classification Sherloc (09022015). Collection method: clinical testing. Allele origin: germline.
Comment: This sequence change replaces valine, which is neutral and non-polar, with alanine, which is neutral and non-polar, at codon 458 of the GPC3 protein (p.Val458Ala). This variant is present in population databases (no rsID available, gnomAD 0.001%). This variant has not been reported in the literature in individuals affected with GPC3-related conditions. ClinVar contains an entry for this variant (Variation ID: 956945). Advanced modeling of protein sequence and biophysical properties (such as structural, functional, and spatial information, amino acid conservation, physicochemical variation, residue mobility, and thermodynamic stability) performed at Invitae indicates that this missense variant is not expected to disrupt GPC3 protein function. In summary, the available evidence is currently insufficient to determine the role of this variant in disease. Therefore, it has been classified as a Variant of Uncertain Significance.